The following is an entry in ClinVar:

ClinVar aggregate classification (germline): Uncertain significance. Review status: criteria provided, multiple submitters, no conflicts (2 of 4 stars). 4 submissions from 4 submitters: Uncertain significance (4). Last evaluated 2025-11-19.

Conditions:
Neonatal-onset encephalopathy with rigidity and seizures. Also called: Lethal neonatal spasticity-epileptic encephalopathy syndrome. Identifiers: Orphanet 435845, MedGen C3281029, MONDO:0013784, OMIM 614498.
Inborn genetic diseases. Identifiers: MedGen C0950123, MeSH D030342.

Allele frequency attached by ClinVar (database versions not stated): TOPMed 0.00002; gnomAD 0.00003 and 0.00004; gnomAD exomes 0.00003 and 0.00005; ExAC 0.00006; ESP Exome Variant Server 0.00015.

Submissions (4):

Labcorp Genetics (formerly Invitae), Labcorp
Classification: Uncertain significance for Neonatal-onset encephalopathy with rigidity and seizures. Last evaluated: 2025-11-19. Review status: criteria provided, single submitter. Criteria: Invitae Variant Classification Sherloc (09022015). Collection method: clinical testing. Allele origin: germline.
Comment: This sequence change replaces proline, which is neutral and non-polar, with serine, which is neutral and polar, at codon 460 of the BRAT1 protein (p.Pro460Ser). This variant is present in population databases (rs373935601, gnomAD 0.009%). This variant has not been reported in the literature in individuals affected with BRAT1-related conditions. ClinVar contains an entry for this variant (Variation ID: 472938). Invitae Evidence Modeling of protein sequence and biophysical properties (such as structural, functional, and spatial information, amino acid conservation, physicochemical variation, residue mobility, and thermodynamic stability) has been performed for this missense variant. However, the output from this modeling did not meet the statistical confidence thresholds required to predict the impact of this variant on BRAT1 protein function. In summary, the available evidence is currently insufficient to determine the role of this variant in disease. Therefore, it has been classified as a Variant of Uncertain Significance.

Ambry Genetics
Classification: Uncertain significance for Inborn genetic diseases. Last evaluated: 2024-11-22. Review status: criteria provided, single submitter. Criteria: Ambry Variant Classification Scheme 2023. Collection method: clinical testing. Allele origin: germline.

Blueprint Genetics
Classification: Uncertain significance. Last evaluated: 2024-10-30. Review status: criteria provided, single submitter. Criteria: ACMG Guidelines, 2015. Collection method: clinical testing. Allele origin: germline.

Baylor Genetics
Classification: Uncertain significance for Neonatal-onset encephalopathy with rigidity and seizures. Last evaluated: 2018-04-02. Review status: criteria provided, single submitter. Criteria: ACMG Guidelines, 2015. Collection method: clinical testing. Allele origin: unknown. Affected: yes.
Comment: This variant was determined to be of uncertain significance according to ACMG Guidelines, 2015 [PMID:25741868].

NM_152743.4(BRAT1):c.1378C>T (p.Pro460Ser)

Gene: BRAT1 (BRCA1 associated ATM activator 1; minus strand). Cytogenetic location: 7p22.3.
Variant type: single nucleotide variant.
Coding change: c.1378C>T on transcript NM_152743.4 (MANE Select); coding-DNA position 1378, C replaced by T.
Protein change: p.Pro460Ser; replaces proline 460 with serine.
Molecular consequence: missense variant. On other transcripts: non-coding transcript variant (1).
Genome position (GRCh38, 1-based): chr7:2,540,996, G>A on the plus strand (C>T on the coding strand, the complement: BRAT1 is on the minus strand). VCF-style: chr7-2540996-G-A. GRCh37 (hg19) VCF-style: chr7-2580630-G-A.
Other names: c.1378C>T, p.Pro460Ser (NM_001350626.2); c.853C>T, p.Pro285Ser (NM_001350627.2); short protein forms P460S, P285S.
Identifiers: ClinVar variation 472938 (VCV000472938.13), dbSNP rs373935601, ClinGen allele CA4127786.